The following is an entry in ClinVar:

ClinVar aggregate classification (germline): Uncertain significance (1 of 4 stars; one submission).

Conditions:
UQCRC2-related disorder. Also called: UQCRC2-related condition.

gnomAD v4.1: 3 of 1,614,090 alleles (0.00019%); highest among the groups gnomAD compares: East Asian, 0.0067%; no homozygotes.

Submission:

PreventionGenetics, part of Exact Sciences
Classification: Uncertain significance for UQCRC2-related condition. Last evaluated: 2025-01-24. Review status: criteria provided, single submitter. Criteria: ACMG Guidelines, 2015. Collection method: clinical testing. Allele origin: germline.
Comment: The UQCRC2 c.176C>T variant is predicted to result in the amino acid substitution p.Ser59Leu. To our knowledge, this variant has not been reported in the literature or in a large population database (gnomAD), indicating this variant is rare. At this time, the clinical significance of this variant is uncertain due to the absence of conclusive functional and genetic evidence.

NM_003366.4(UQCRC2):c.176C>T (p.Ser59Leu)

Gene: UQCRC2 (ubiquinol-cytochrome c reductase core protein 2). Cytogenetic location: 16p12.2.
Variant type: single nucleotide variant.
Coding change: c.176C>T on transcript NM_003366.4 (MANE Select); coding-DNA position 176, C replaced by T.
Protein change: p.Ser59Leu; replaces serine 59 with leucine.
Molecular consequence: missense variant.
Genome position (GRCh38, 1-based): chr16:21,957,475, C>T. VCF-style: chr16-21957475-C-T. GRCh37 (hg19) VCF-style: chr16-21968796-C-T.
Other names: short protein forms S59L.
Identifiers: ClinVar variation 4999076 (VCV004999076.1).